The following is an entry in ClinVar:

ClinVar aggregate classification (germline): Benign (1 of 4 stars; one submission).

Conditions:
Hereditary coproporphyria (HCP). Also called: Hereditary coproporphyria porphyria; Porphyria hepatica coproporphyria; Porphyria hepatica II; CPRO deficiency; COPROPORPHYRINOGEN OXIDASE DEFICIENCY; CPO DEFICIENCY. Identifiers: Orphanet 79273, MedGen C0162531, MONDO:0007369, OMIM 121300.

Allele frequency attached by ClinVar (database versions not stated): TOPMed 0.00029; gnomAD 0.00032; 1000 Genomes Project 0.00319; 1000 Genomes Project 30x 0.00328.

Submission:

Illumina Laboratory Services, Illumina
Classification: Benign for Hereditary coproporphyria. Last evaluated: 2018-01-12. Review status: criteria provided, single submitter. Criteria: ICSL Variant Classification Criteria 13 December 2019. Collection method: clinical testing. Allele origin: germline.
Comment: This variant was observed in the ICSL laboratory as part of a predisposition screen in an ostensibly healthy population. It had not been previously curated by ICSL or reported in the Human Gene Mutation Database (HGMD: prior to June 1st, 2018), and was therefore a candidate for classification through an automated scoring system. Utilizing variant allele frequency, disease prevalence and penetrance estimates, and inheritance mode, an automated score was calculated to assess if this variant is too frequent to cause the disease. Based on the score and internal cut-off values, a variant classified as benign is not then subjected to further curation. The score for this variant resulted in a classification of benign for this disease.

NM_000097.7(CPOX):c.*381C>T

Gene: CPOX (coproporphyrinogen oxidase; minus strand). Cytogenetic location: 3q11.2.
Variant type: single nucleotide variant.
Coding change: c.*381C>T on transcript NM_000097.7 (MANE Select); 381 bases downstream of the stop codon, C replaced by T.
Molecular consequence: 3 prime UTR variant.
Genome position (GRCh38, 1-based): chr3:98,580,302, G>A on the plus strand (C>T on the coding strand, the complement: CPOX is on the minus strand). VCF-style: chr3-98580302-G-A. GRCh37 (hg19) VCF-style: chr3-98299146-G-A.
Other names: c.*381C>T (LRG_1077t1).
Identifiers: ClinVar variation 346962 (VCV000346962.5), dbSNP rs141236816, ClinGen allele CA10616808.